The following is an entry in ClinVar:

ClinVar aggregate classification (germline): Likely benign. Review status: criteria provided, multiple submitters, no conflicts (2 of 4 stars). 2 submissions from 2 submitters: Likely benign (2). Last evaluated 2018-06-14.

Allele frequency attached by ClinVar (database versions not stated): 1000 Genomes Project 0.01637; 1000 Genomes Project 30x 0.01749; gnomAD 0.01798 and 0.01906; TOPMed 0.01904.
gnomAD v4.1: 12,718 of 1,384,408 alleles (0.92%); highest among the groups gnomAD compares: African/African-American, 4.7%; 122 homozygotes.

Submissions (2):

GeneDx
Classification: Likely benign. Last evaluated: 2018-06-14. Review status: criteria provided, single submitter. Criteria: GeneDx Variant Classification (06012015). Collection method: clinical testing. Allele origin: germline. Affected: yes.
Comment: This variant is considered likely benign or benign based on one or more of the following criteria: it is a conservative change, it occurs at a poorly conserved position in the protein, it is predicted to be benign by multiple in silico algorithms, and/or has population frequency not consistent with disease.

Breakthrough Genomics
Classification: Likely benign. Review status: criteria provided, single submitter. Criteria: ACMG Guidelines, 2015. Collection method: not provided. Allele origin: germline. Inheritance: Autosomal recessive inheritance. Affected: yes.

NM_001330078.2(NRXN1):c.2143+94A>G

Gene: NRXN1 (neurexin 1; minus strand). Cytogenetic location: 2p16.3.
Variant type: single nucleotide variant.
Coding change: c.2143+94A>G on transcript NM_001330078.2 (MANE Select); 94 bases into the intron after coding-DNA position 2143, A replaced by G.
Molecular consequence: intron variant.
Genome position (GRCh38, 1-based): chr2:50,538,159, T>C on the plus strand (A>G on the coding strand, the complement: NRXN1 is on the minus strand). VCF-style: chr2-50538159-T-C. GRCh37 (hg19) VCF-style: chr2-50765297-T-C.
Other names: c.2059+94A>G (NM_001330096.2, NM_001330087.2); c.2104+94A>G (NM_001330083.2, NM_001330084.2); c.2089+94A>G (NM_001330088.2); c.2140+94A>G (NM_001330093.2); c.2131+94A>G (NM_001330094.2); c.2119+94A>G (NM_001330095.2, NM_001330082.2, NM_001330077.2); c.2143+94A>G (NM_001330085.2, NM_004801.6, NM_001330086.2); c.2263+94A>G (NM_001135659.3).
Identifiers: ClinVar variation 670840 (VCV000670840.2), dbSNP rs76717719, ClinGen allele CA47318884.